The following is an entry in ClinVar:

ClinVar aggregate classification (germline): Likely benign. Review status: criteria provided, single submitter (1 of 4 stars). 2 submissions from 2 submitters: Likely benign (1). 1 of the submissions does not count toward it. Last evaluated 2022-08-08.

Conditions:
Inborn genetic diseases. Identifiers: MedGen C0950123, MeSH D030342.
GEMIN5-related disorder. Also called: GEMIN5-Related Disorders; GEMIN5-related condition.

Allele frequency attached by ClinVar (database versions not stated): 1000 Genomes Project 30x 0.00016; 1000 Genomes Project 0.00020; ExAC 0.00021; gnomAD 0.00071; ESP Exome Variant Server 0.00085; TOPMed 0.00093.
gnomAD v4.1: 212 of 1,581,838 alleles (0.013%); highest among the groups gnomAD compares: African/African-American, 0.26%; no homozygotes.

Submissions (2):

Ambry Genetics
Classification: Likely benign for Inborn genetic diseases. Last evaluated: 2022-08-08. Review status: criteria provided, single submitter. Criteria: Ambry Variant Classification Scheme 2023. Collection method: clinical testing. Allele origin: germline.

PreventionGenetics, part of Exact Sciences
Classification: Likely benign for GEMIN5-related condition. Last evaluated: 2022-08-19. Review status: no assertion criteria provided. Collection method: clinical testing. Allele origin: germline. Not counted in ClinVar's aggregate classification.
Comment: This variant is classified as likely benign based on ACMG/AMP sequence variant interpretation guidelines (Richards et al. 2015 PMID: 25741868, with internal and published modifications).

NM_015465.5(GEMIN5):c.3766G>A (p.Asp1256Asn)

Gene: GEMIN5 (gem nuclear organelle associated protein 5; minus strand). Cytogenetic location: 5q33.2.
Variant type: single nucleotide variant.
Coding change: c.3766G>A on transcript NM_015465.5 (MANE Select); coding-DNA position 3766, G replaced by A.
Protein change: p.Asp1256Asn; replaces aspartic acid 1256 with asparagine.
Molecular consequence: missense variant.
Genome position (GRCh38, 1-based): chr5:154,891,737, C>T on the plus strand (G>A on the coding strand, the complement: GEMIN5 is on the minus strand). VCF-style: chr5-154891737-C-T. GRCh37 (hg19) VCF-style: chr5-154271297-C-T.
Other names: c.3763G>A, p.Asp1255Asn (NM_001252156.2); c.3766G>A (NM_015465.4); short protein forms D1255N, D1256N.
Identifiers: ClinVar variation 2213541 (VCV002213541.4), dbSNP rs149877560, ClinGen allele CA3528285.